The following is an entry in ClinVar:

NM_031935.3(HMCN1):c.6851T>G (p.Leu2284Arg)

Gene: HMCN1 (hemicentin 1; plus strand). Cytogenetic location: 1q31.1.
Variant type: single nucleotide variant.
Coding change: c.6851T>G on transcript NM_031935.3 (MANE Select); coding-DNA position 6851, T replaced by G.
Protein change: p.Leu2284Arg; replaces leucine 2284 with arginine.
Molecular consequence: missense variant.
Genome position (GRCh38, 1-based): chr1:186,053,975, T>G. VCF-style: chr1-186053975-T-G. GRCh37 (hg19) VCF-style: chr1-186023107-T-G.
Other names: short protein forms L2284R.
Identifiers: ClinVar variation 4698941 (VCV004698941.1).

ClinVar aggregate classification (germline): Uncertain significance (1 of 4 stars; one submission).

gnomAD v4.1: 6 of 1,612,400 alleles (0.00037%); highest among the groups gnomAD compares: Non-Finnish European, 0.00051%; no homozygotes.

Submission:

Labcorp Genetics (formerly Invitae), Labcorp
Classification: Uncertain significance. Last evaluated: 2025-12-29. Review status: criteria provided, single submitter. Criteria: Invitae Variant Classification Sherloc (09022015). Collection method: clinical testing. Allele origin: germline.
Comment: This sequence change replaces leucine, which is neutral and non-polar, with arginine, which is basic and polar, at codon 2284 of the HMCN1 protein (p.Leu2284Arg). This variant is not present in population databases (gnomAD no frequency). This variant has not been reported in the literature in individuals affected with HMCN1-related conditions. An algorithm developed to predict the effect of missense changes on protein structure and function (PolyPhen-2) suggests that this variant is likely to be disruptive. In summary, the available evidence is currently insufficient to determine the role of this variant in disease. Therefore, it has been classified as a Variant of Uncertain Significance.